The following is an entry in ClinVar:

NM_004544.4(NDUFA10):c.*407C>T

Gene: NDUFA10 (NADH:ubiquinone oxidoreductase subunit A10; minus strand). Cytogenetic location: 2q37.3.
Variant type: single nucleotide variant.
Coding change: c.*407C>T on transcript NM_004544.4 (MANE Select); 407 bases downstream of the stop codon, C replaced by T.
Molecular consequence: 3 prime UTR variant. On other transcripts: non-coding transcript variant (3).
Genome position (GRCh38, 1-based): chr2:239,960,711, G>A on the plus strand (C>T on the coding strand, the complement: NDUFA10 is on the minus strand). VCF-style: chr2-239960711-G-A. GRCh37 (hg19) VCF-style: chr2-240900128-G-A.
Other names: c.*412C>T (NM_001322020.2).
Identifiers: ClinVar variation 335195 (VCV000335195.6), dbSNP rs74614612, ClinGen allele CA10614960.

ClinVar aggregate classification (germline): Benign/Likely benign. Review status: criteria provided, multiple submitters, no conflicts (2 of 4 stars). 3 submissions from 2 submitters: Benign (1); Likely benign (2). Last evaluated 2018-01-13.

Conditions:
Leigh syndrome (NULS). Also called: Leigh's syndrome; Leigh Syndrome (mtDNA deletion); Leigh Disease; Leigh's necrotizing encephalopathy; Leigh's disease; Subacute necrotizing encephalopathy. Identifiers: Orphanet 506, MedGen C2931891, MONDO:0009723, OMIM 256000.
Mitochondrial complex I deficiency, nuclear type 1. Also called: NADH-COENZYME Q REDUCTASE DEFICIENCY; MITOCHONDRIAL NADH DEHYDROGENASE COMPONENT OF COMPLEX I, DEFICIENCY OF. Identifiers: MedGen C6022305, MONDO:0100224, OMIM 252010.

Allele frequency attached by ClinVar (database versions not stated): gnomAD exomes 0.00174; gnomAD 0.00847 and 0.00937; TOPMed 0.01393; 1000 Genomes Project 0.02616; 1000 Genomes Project 30x 0.02639.

Submissions (3):

Illumina Laboratory Services, Illumina
Classification: Likely benign for Mitochondrial complex I deficiency, nuclear type 1. Last evaluated: 2018-01-13. Review status: criteria provided, single submitter. Criteria: ICSL Variant Classification Criteria 13 December 2019. Collection method: clinical testing. Allele origin: germline.
Comment: This variant was observed in the ICSL laboratory as part of a predisposition screen in an ostensibly healthy population. It had not been previously curated by ICSL or reported in the Human Gene Mutation Database (HGMD: prior to June 1st, 2018), and was therefore a candidate for classification through an automated scoring system. Utilizing variant allele frequency, disease prevalence and penetrance estimates, and inheritance mode, an automated score was calculated to assess if this variant is too frequent to cause the disease. Based on the score and internal cut-off values, a variant classified as likely benign is not then subjected to further curation. The score for this variant resulted in a classification of likely benign for this disease.

Illumina Laboratory Services, Illumina
Classification: Benign for Leigh syndrome. Last evaluated: 2018-01-13. Review status: criteria provided, single submitter. Criteria: ICSL Variant Classification Criteria 13 December 2019. Collection method: clinical testing. Allele origin: germline.
Comment: This variant was observed in the ICSL laboratory as part of a predisposition screen in an ostensibly healthy population. It had not been previously curated by ICSL or reported in the Human Gene Mutation Database (HGMD: prior to June 1st, 2018), and was therefore a candidate for classification through an automated scoring system. Utilizing variant allele frequency, disease prevalence and penetrance estimates, and inheritance mode, an automated score was calculated to assess if this variant is too frequent to cause the disease. Based on the score and internal cut-off values, a variant classified as benign is not then subjected to further curation. The score for this variant resulted in a classification of benign for this disease.

Breakthrough Genomics
Classification: Likely benign. Review status: criteria provided, single submitter. Criteria: ACMG Guidelines, 2015. Collection method: not provided. Allele origin: germline. Inheritance: Autosomal recessive inheritance. Affected: yes.